The following is an entry in ClinVar:

NM_000891.3(KCNJ2):c.934C>T (p.Arg312Cys)

Gene: KCNJ2 (potassium inwardly rectifying channel subfamily J member 2; plus strand). Cytogenetic location: 17q24.3.
Variant type: single nucleotide variant.
Coding change: c.934C>T on transcript NM_000891.3 (MANE Select); coding-DNA position 934, C replaced by T.
Protein change: p.Arg312Cys; replaces arginine 312 with cysteine.
Molecular consequence: missense variant.
Genome position (GRCh38, 1-based): chr17:70,175,973, C>T. VCF-style: chr17-70175973-C-T. GRCh37 (hg19) VCF-style: chr17-68172114-C-T.
Other names: c.934C>T (LRG_328t1); short protein forms R312C.
Identifiers: ClinVar variation 67594 (VCV000067594.15), dbSNP rs199473389, ClinGen allele CA329717.

ClinVar aggregate classification (germline): Pathogenic/Likely pathogenic. Review status: criteria provided, multiple submitters, no conflicts (2 of 4 stars). 7 submissions from 7 submitters: Pathogenic (2); Likely pathogenic (3). 2 of the submissions do not count toward it. Last evaluated 2025-07-07.

Conditions:
KCNJ2-related disorder. Also called: KCNJ2-related condition.
Cardiovascular phenotype. Identifiers: MedGen CN230736.
Familial long QT syndrome (RWS). Also called: Congenital long QT syndrome; Romano-Ward syndrome; VENTRICULAR FIBRILLATION WITH PROLONGED QT INTERVAL. Identifiers: Orphanet 768, MedGen C1141890, MONDO:0019171.
Andersen Tawil syndrome (LQT7). Also called: ANDERSEN CARDIODYSRHYTHMIC PERIODIC PARALYSIS; Andersen Syndrome; Potassium-sensitive periodic paralysis, ventricular ectopy, and dysmorphic features; LONG QT SYNDROME 7; PERIODIC PARALYSIS, POTASSIUM-SENSITIVE CARDIODYSRHYTHMIC TYPE. Identifiers: Orphanet 37553, MedGen C1563715, MONDO:0008222, OMIM 170390.
Short QT syndrome type 3. Identifiers: Orphanet 51083, MedGen C1865018, MONDO:0012314, OMIM 609622.

Allele frequency attached by ClinVar (database versions not stated): gnomAD exomes below 0.00001.

Submissions (7):

Ambry Genetics
Classification: Likely pathogenic for Cardiovascular phenotype. Last evaluated: 2025-07-07. Review status: criteria provided, single submitter. Criteria: Ambry Variant Classification Scheme 2023. Collection method: clinical testing. Allele origin: germline.
Comment: The c.934C>T (p.R312C) alteration is located in exon 2 (coding exon 1) of the KCNJ2 gene. This alteration results from a C to T substitution at nucleotide position 934, causing the arginine (R) at amino acid position 312 to be replaced by a cysteine (C). for Andersen-Tawil syndrome; however, its clinical significance for KCNJ2-related short QT syndrome is uncertain. Based on data from gnomAD, the T allele has an overall frequency of <0.001% (1/251322) total alleles studied. The highest observed frequency was 0.001% (1/113640) of European (non-Finnish) alleles. This variant was reported in individual(s) with features consistent with Andersen-Tawil syndrome (Donaldson, 2003; Zhang, 2005; Tan, 2012; Yuan, 2023). This amino acid position is highly conserved in available vertebrate species. This variant was also shown to have diminished current compared to the wild type in a heterozygous expression assay (Lopes, 2002). This alteration is predicted to be deleterious by in silico analysis. Based on the available evidence, this alteration is classified as likely pathogenic.

PreventionGenetics, part of Exact Sciences
Classification: Likely pathogenic for KCNJ2-related condition. Last evaluated: 2023-06-27. Review status: criteria provided, single submitter. Criteria: ACMG Guidelines, 2015. Collection method: clinical testing. Allele origin: germline.
Comment: The KCNJ2 c.934C>T variant is predicted to result in the amino acid substitution p.Arg312Cys. This variant was reported in multiple individual with Andersen syndrome (Donaldson et al. 2003. PubMed ID: 12796536; Zhang et al. 2005. PubMed ID: 15911703; Tan et al. 2012. PubMed ID: 22806368; Nagamine et al. 2014. PubMed ID: 25284084). Functional studies found this variant affects KCNJ2 function (Donaldson et al. 2003. PubMed ID: 12796536). This variant has been interpreted as pathogenic/likely pathogenic in ClinVar. This variant is reported in 0.00088% of alleles in individuals of European (Non-Finnish) descent in gnomAD. This variant is interpreted as likely pathogenic.

Labcorp Genetics (formerly Invitae), Labcorp
Classification: Pathogenic for Short QT syndrome type 3; Andersen Tawil syndrome. Last evaluated: 2023-04-07. Review status: criteria provided, single submitter. Criteria: Invitae Variant Classification Sherloc (09022015). Collection method: clinical testing. Allele origin: germline.
Comment: This sequence change replaces arginine, which is basic and polar, with cysteine, which is neutral and slightly polar, at codon 312 of the KCNJ2 protein (p.Arg312Cys). For these reasons, this variant has been classified as Pathogenic. Experimental studies have shown that this missense change affects KCNJ2 function (PMID: 12086641). Advanced modeling of protein sequence and biophysical properties (such as structural, functional, and spatial information, amino acid conservation, physicochemical variation, residue mobility, and thermodynamic stability) performed at Invitae indicates that this missense variant is expected to disrupt KCNJ2 protein function. ClinVar contains an entry for this variant (Variation ID: 67594). This missense change has been observed in individuals with clinical features of Andersen-Tawil syndrome (PMID: 12796536, 15911703, 22806368, 25284084). This variant is present in population databases (rs199473389, gnomAD 0.0009%).

MVZ Martinsried, Medicover Genetics
Classification: Pathogenic for Andersen Tawil syndrome. Last evaluated: 2021-11-01. Review status: criteria provided, single submitter. Criteria: ACGS Guidelines, 2020. Collection method: clinical testing. Allele origin: unknown. Affected: yes.

GeneDx
Classification: Likely pathogenic. Last evaluated: 2019-08-22. Review status: criteria provided, single submitter. Criteria: GeneDx Variant Classification Process June 2021. Collection method: clinical testing. Allele origin: germline. Affected: yes.
Comment: Not observed at a significant frequency in large population cohorts (Lek et al., 2016); In silico analysis, which includes protein predictors and evolutionary conservation, supports a deleterious effect; This variant is associated with the following publications: (PMID: 22806368, 15723059, 19862833, 12796536, 25284084)

Department of Neurology and Geriatrics, Kagoshima University Graduate School of Medical and Dental Sciences
Classification: Pathogenic for Andersen Tawil syndrome. Last evaluated: 2022-04-12. Review status: no assertion criteria provided. Collection method: research. Allele origin: germline. Affected: yes. Not counted in ClinVar's aggregate classification.

Cardiovascular Biomedical Research Unit, Royal Brompton & Harefield NHS Foundation Trust
No classification provided. Condition: Familial long QT syndrome. Review status: no classification provided. Collection method: literature only. Allele origin: germline. Not counted in ClinVar's aggregate classification.
Comment: This variant has been reported in the following publications (PMID:12796536).

Literature cited by the submitters: PubMed 12086641 (cited by Ambry Genetics and Labcorp Genetics (formerly Invitae), Labcorp); PubMed 12796536 (cited by 3 submitters); PubMed 15911703 (cited by Ambry Genetics and Labcorp Genetics (formerly Invitae), Labcorp); PubMed 22806368 (cited by Ambry Genetics and Labcorp Genetics (formerly Invitae), Labcorp); PubMed 23644778 (cited by Ambry Genetics); PubMed 36779057 (cited by Ambry Genetics); PubMed 25284084 (cited by Labcorp Genetics (formerly Invitae), Labcorp); PubMed 22581653 (cited by Cardiovascular Biomedical Research Unit, Royal Brompton & Harefield NHS Foundation Trust).